The following is an entry in ClinVar:

NM_004183.4(BEST1):c.869T>C (p.Val290Ala)

Gene: BEST1 (bestrophin 1; plus strand). Cytogenetic location: 11q12.3.
Variant type: single nucleotide variant.
Coding change: c.869T>C on transcript NM_004183.4 (MANE Select); coding-DNA position 869, T replaced by C.
Protein change: p.Val290Ala; replaces valine 290 with alanine.
Molecular consequence: missense variant. On other transcripts: non-coding transcript variant (1), intron variant (1).
Genome position (GRCh38, 1-based): chr11:61,959,499, T>C. VCF-style: chr11-61959499-T-C. GRCh37 (hg19) VCF-style: chr11-61726971-T-C.
Other names: c.689T>C, p.Val230Ala (NM_001139443.3, NM_001300787.2); c.551T>C, p.Val184Ala (NM_001363591.3); c.1072T>C, p.Trp358Arg (NM_001363592.2); c.-104T>C (NM_001363593.3); c.688-393T>C (NM_001300786.2); short protein forms W358R, V184A, V230A, V290A.
Identifiers: ClinVar variation 2092821 (VCV002092821.4), dbSNP rs2541395440, ClinGen allele CA380843580.

ClinVar aggregate classification (germline): Uncertain significance (1 of 4 stars; one submission).

Allele frequency attached by ClinVar (database versions not stated): gnomAD exomes below 0.00001.

Submission:

Labcorp Genetics (formerly Invitae), Labcorp
Classification: Uncertain significance. Last evaluated: 2025-01-06. Review status: criteria provided, single submitter. Criteria: Invitae Variant Classification Sherloc (09022015). Collection method: clinical testing. Allele origin: germline.
Comment: This sequence change replaces valine, which is neutral and non-polar, with alanine, which is neutral and non-polar, at codon 290 of the BEST1 protein (p.Val290Ala). This variant is not present in population databases (gnomAD no frequency). This variant has not been reported in the literature in individuals affected with BEST1-related conditions. ClinVar contains an entry for this variant (Variation ID: 2092821). An algorithm developed to predict the effect of missense changes on protein structure and function (PolyPhen-2) suggests that this variant is likely to be disruptive. In summary, the available evidence is currently insufficient to determine the role of this variant in disease. Therefore, it has been classified as a Variant of Uncertain Significance.